The following is an entry in ClinVar:

NM_003611.3(OFD1):c.974C>T (p.Thr325Ile)

Gene: OFD1 (OFD1 centriole and centriolar satellite protein; plus strand). Cytogenetic location: Xp22.2.
Variant type: single nucleotide variant.
Coding change: c.974C>T on transcript NM_003611.3 (MANE Select); coding-DNA position 974, C replaced by T.
Protein change: p.Thr325Ile; replaces threonine 325 with isoleucine.
Molecular consequence: missense variant. On other transcripts: intron variant (1).
Genome position (GRCh38, 1-based): chrX:13,751,287, C>T. VCF-style: chrX-13751287-C-T. GRCh37 (hg19) VCF-style: chrX-13769406-C-T.
Other names: c.554C>T, p.Thr185Ile (NM_001330210.2); c.935+1754C>T (NM_001330209.2); short protein forms T185I, T325I.
Identifiers: ClinVar variation 2413290 (VCV002413290.12), dbSNP rs754044595, ClinGen allele CA10351728.

ClinVar aggregate classification (germline): Uncertain significance. Review status: criteria provided, multiple submitters, no conflicts (2 of 4 stars). 2 submissions from 2 submitters: Uncertain significance (2). Last evaluated 2024-09-04.

Conditions:
Joubert syndrome. Also called: CEREBELLOPARENCHYMAL DISORDER IV; JOUBERT-BOLTSHAUSER SYNDROME; Familial aplasia of the vermis. Identifiers: Orphanet 475, MedGen C5979921, MONDO:0018772.
Orofaciodigital syndrome I (OFD1). Also called: OFDS I; Papillon-Leage and Psaume Syndrome; Oral-Facial-Digital Syndrome Type I. Identifiers: Orphanet 2750, MedGen C1510460, MONDO:0010702, OMIM 311200.

Allele frequency attached by ClinVar (database versions not stated): ExAC 0.00001.

Submissions (2):

Labcorp Genetics (formerly Invitae), Labcorp
Classification: Uncertain significance for Orofaciodigital syndrome I; Joubert syndrome. Last evaluated: 2024-09-04. Review status: criteria provided, single submitter. Criteria: Invitae Variant Classification Sherloc (09022015). Collection method: clinical testing. Allele origin: germline.
Comment: This sequence change replaces threonine, which is neutral and polar, with isoleucine, which is neutral and non-polar, at codon 325 of the OFD1 protein (p.Thr325Ile). This variant is present in population databases (rs754044595, gnomAD 0.008%). This variant has not been reported in the literature in individuals affected with OFD1-related conditions. ClinVar contains an entry for this variant (Variation ID: 2413290). Invitae Evidence Modeling of protein sequence and biophysical properties (such as structural, functional, and spatial information, amino acid conservation, physicochemical variation, residue mobility, and thermodynamic stability) indicates that this missense variant is not expected to disrupt OFD1 protein function with a negative predictive value of 80%. In summary, the available evidence is currently insufficient to determine the role of this variant in disease. Therefore, it has been classified as a Variant of Uncertain Significance.

Revvity Omics, Revvity
Classification: Uncertain significance. Last evaluated: 2022-03-17. Review status: criteria provided, single submitter. Criteria: ACMG Guidelines, 2015. Collection method: clinical testing. Allele origin: germline.